The following is an entry in ClinVar:

NM_001356.5(DDX3X):c.1649T>C (p.Ile550Thr)

Gene: DDX3X (DEAD-box helicase 3 X-linked; plus strand). Cytogenetic location: Xp11.4.
Variant type: single nucleotide variant.
Coding change: c.1649T>C on transcript NM_001356.5 (MANE Select); coding-DNA position 1649, T replaced by C.
Protein change: p.Ile550Thr; replaces isoleucine 550 with threonine.
Molecular consequence: missense variant. On other transcripts: non-coding transcript variant (1).
Genome position (GRCh38, 1-based): chrX:41,346,892, T>C. VCF-style: chrX-41346892-T-C. GRCh37 (hg19) VCF-style: chrX-41206145-T-C.
Other names: c.1649T>C, p.Ile550Thr (NM_001193416.3); c.1601T>C, p.Ile534Thr (NM_001193417.3); c.1091T>C, p.Ile364Thr (NM_001363819.1); short protein forms I364T, I550T, I534T.
Identifiers: ClinVar variation 4726899 (VCV004726899.1).
Genomic context (GRCh38, chrX:41,346,892, plus strand): 5'-TATATACTTTTTTGGGAACTCTTTTAGGCCTGGCAACCTCATTCTTTAACGAGAGGAACA[T>C]AAATATTACTAAGGATTTGTTGGATCTTCTTGTTGAAGCTAAACAAGAAGTGCCGTCTTG-3'
Protein context (NP_001347.3, residues 540-560): LATSFFNERN[Ile550Thr]NITKDLLDLL

ClinVar aggregate classification (germline): Uncertain significance (1 of 4 stars; one submission).

Submission:

Labcorp Genetics (formerly Invitae), Labcorp
Classification: Uncertain significance. Last evaluated: 2025-09-10. Review status: criteria provided, single submitter. Criteria: Invitae Variant Classification Sherloc (09022015). Collection method: clinical testing. Allele origin: germline.
Comment: This sequence change replaces isoleucine, which is neutral and non-polar, with threonine, which is neutral and polar, at codon 550 of the DDX3X protein (p.Ile550Thr). This variant is not present in population databases (gnomAD no frequency). This variant has not been reported in the literature in individuals affected with DDX3X-related conditions. Experimental studies and prediction algorithms are not available or were not evaluated, and the functional significance of this variant is currently unknown. In summary, the available evidence is currently insufficient to determine the role of this variant in disease. Therefore, it has been classified as a Variant of Uncertain Significance.